The following is an entry in ClinVar:

ClinVar aggregate classification (germline): Uncertain significance. Review status: criteria provided, multiple submitters, no conflicts (2 of 4 stars). 2 submissions from 2 submitters: Uncertain significance (2). Last evaluated 2021-11-29.

Conditions:
Inborn genetic diseases. Identifiers: MedGen C0950123, MeSH D030342.
Leigh syndrome (NULS). Also called: Subacute necrotizing encephalopathy; Necrotizing encephalopathy infantile subacute of Leigh; Leigh's necrotizing encephalopathy; Leigh's disease; Leigh Syndrome (mtDNA deletion); LEIGH SYNDROME, NUCLEAR. Identifiers: Orphanet 506, MedGen C2931891, MONDO:0009723, OMIM 256000.

Submissions (2):

Ambry Genetics
Classification: Uncertain significance for Inborn genetic diseases. Last evaluated: 2021-11-29. Review status: criteria provided, single submitter. Criteria: Ambry Variant Classification Scheme 2023. Collection method: clinical testing. Allele origin: germline.

Labcorp Genetics (formerly Invitae), Labcorp
Classification: Uncertain significance for Leigh syndrome. Last evaluated: 2021-11-25. Review status: criteria provided, single submitter. Criteria: Invitae Variant Classification Sherloc (09022015). Collection method: clinical testing. Allele origin: germline.
Comment: In summary, the available evidence is currently insufficient to determine the role of this variant in disease. Therefore, it has been classified as a Variant of Uncertain Significance. Algorithms developed to predict the effect of missense changes on protein structure and function output the following: SIFT: "Tolerated"; PolyPhen-2: "Benign"; Align-GVGD: "Class C0". The glutamic acid amino acid residue is found in multiple mammalian species, which suggests that this missense change does not adversely affect protein function. This variant has not been reported in the literature in individuals affected with SURF1-related conditions. This variant is not present in population databases (gnomAD no frequency). This sequence change replaces aspartic acid, which is acidic and polar, with glutamic acid, which is acidic and polar, at codon 170 of the SURF1 protein (p.Asp170Glu).

NM_003172.4(SURF1):c.510C>G (p.Asp170Glu)

Gene: SURF1 (SURF1 cytochrome c oxidase assembly factor; minus strand). Cytogenetic location: 9q34.2.
Variant type: single nucleotide variant.
Coding change: c.510C>G on transcript NM_003172.4 (MANE Select); coding-DNA position 510, C replaced by G.
Protein change: p.Asp170Glu; replaces aspartic acid 170 with glutamic acid.
Molecular consequence: missense variant.
Genome position (GRCh38, 1-based): chr9:133,353,754, G>C on the plus strand (C>G on the coding strand, the complement: SURF1 is on the minus strand). VCF-style: chr9-133353754-G-C. GRCh37 (hg19) VCF-style: chr9-136220609-G-C.
Other names: c.183C>G, p.Asp61Glu (NM_001280787.1); c.510C>G (NM_003172.2); short protein forms D170E, D61E.
Identifiers: ClinVar variation 1505600 (VCV001505600.5), dbSNP rs587683200, ClinGen allele CA375694130.
Genomic context (GRCh38, chr9:133,353,754, plus strand): 5'-TAGTATACCCTGACTGCCTCTGCCAGGACAGCCAGCTCCCACATGTCCTACTCACCCCAG[G>C]TCGGTGCAGTGGAAGGGAGTGACCACATAGGCCCCACTCTGAGTTGAGGAGGAGATGAGG-3'
Protein context (NP_003163.1, residues 160-180): AYVVTPFHCT[Asp170Glu]LGVTILVNRG